The following is an entry in ClinVar:

ClinVar aggregate classification (germline): Pathogenic (1 of 4 stars; one submission).

Submission:

ISCA site 15
Classification: Pathogenic. Last evaluated: 2011-08-12. Review status: criteria provided, single submitter. Criteria: Kaminsky et al. (Genet Med. 2011). Collection method: clinical testing. Allele origin: de novo. Affected: yes. Observed: 1 variant allele.
Comment: Copy number variation identified through the course of routine clinical cytogenomic testing in postnatal populations. Clinical assertions have been curated as described in Kaminsky et al. 2011.

GRCh38/hg38 2q36.1(chr2:223597428-224061556)x1

Genes: AP1S3 (adaptor related protein complex 1 subunit sigma 3; minus strand), MRPL44 (mitochondrial ribosomal protein L44; plus strand), SCG2 (secretogranin II; minus strand), SERPINE2 (serpin family E member 2; minus strand), WDFY1 (WD repeat and FYVE domain containing 1; minus strand) and 26 more. Cytogenetic location: 2q36.1.
Variant type: copy number loss.
Change: copy number 1 (one copy instead of two) of chr2:223,597,428-224,061,556 (464.1 kb, GRCh38 coordinates, 1-based), cytogenetic band 2q36.1.
Identifiers: ClinVar variation 58846 (VCV000058846.1).